The following is an entry in ClinVar:

ClinVar aggregate classification (germline): Pathogenic. Review status: criteria provided, multiple submitters, no conflicts (2 of 4 stars). 2 submissions from 2 submitters: Pathogenic (2). Last evaluated 2024-05-13.

Conditions:
Hereditary spastic paraplegia 11. Also called: SPASTIC PARAPLEGIA, AUTOSOMAL RECESSIVE, COMPLICATED, WITH THIN CORPUS CALLOSUM; SPASTIC PARAPLEGIA, AUTOSOMAL RECESSIVE, WITH MENTAL IMPAIRMENT AND THIN CORPUS CALLOSUM; Spastic Paraplegia 11; Nakamura Osame syndrome; Autosomal recessive hereditary spastic paraplegia, mental impairment, and thin corpus callosum; Spastic paraplegia, mental retardation and thin corpus callosum. Identifiers: Orphanet 2822, MedGen C1858479, MONDO:0011445, OMIM 604360.
Charcot-Marie-Tooth disease axonal type 2X. Also called: CHARCOT-MARIE-TOOTH DISEASE, AXONAL, AUTOSOMAL RECESSIVE, TYPE 2X; CHARCOT-MARIE-TOOTH NEUROPATHY, TYPE 2X. Identifiers: Orphanet 466775, MedGen C5569024, MONDO:0014726, OMIM 616668.
Amyotrophic lateral sclerosis type 5 (ALS5). Also called: AMYOTROPHIC LATERAL SCLEROSIS 5, JUVENILE. Identifiers: Orphanet 300605, MedGen C1865864, MONDO:0011196, OMIM 602099.

Submissions (2):

Fulgent Genetics
Classification: Pathogenic for Amyotrophic lateral sclerosis type 5; Hereditary spastic paraplegia 11; Charcot-Marie-Tooth disease axonal type 2X. Last evaluated: 2024-05-13. Review status: criteria provided, single submitter. Criteria: ACMG Guidelines, 2015. Collection method: clinical testing. Allele origin: germline.

Labcorp Genetics (formerly Invitae), Labcorp
Classification: Pathogenic for Hereditary spastic paraplegia 11. Last evaluated: 2024-01-04. Review status: criteria provided, single submitter. Criteria: Invitae Variant Classification Sherloc (09022015). Collection method: clinical testing. Allele origin: germline.
Comment: This sequence change creates a premature translational stop signal (p.His1932Metfs*19) in the SPG11 gene. It is expected to result in an absent or disrupted protein product. Loss-of-function variants in SPG11 are known to be pathogenic (PMID: 19105190, 20110243, 22154821, 26556829). This variant is not present in population databases (gnomAD no frequency). This premature translational stop signal has been observed in individual(s) with hereditary spastic paraplegia (PMID: 32961396). For these reasons, this variant has been classified as Pathogenic.

Literature cited by the submitters: PubMed 19105190 (cited by Labcorp Genetics (formerly Invitae), Labcorp); PubMed 20110243 (cited by Labcorp Genetics (formerly Invitae), Labcorp); PubMed 22154821 (cited by Labcorp Genetics (formerly Invitae), Labcorp); PubMed 26556829 (cited by Labcorp Genetics (formerly Invitae), Labcorp); PubMed 32961396 (cited by Labcorp Genetics (formerly Invitae), Labcorp).

NM_025137.4(SPG11):c.5794del (p.His1932fs)

Gene: SPG11 (SPG11 vesicle trafficking associated, spatacsin; minus strand). Cytogenetic location: 15q21.1.
Variant type: Deletion.
Coding change: c.5794del on transcript NM_025137.4 (MANE Select); coding-DNA position 5794, one base deleted (C; older notation c.5794delC).
Protein change: p.His1932fs; shifts the reading frame from histidine 1932.
Molecular consequence: frameshift variant.
Genome position (GRCh38, 1-based): chr15:44,583,886, G deleted on the plus strand (C on the coding strand, the reverse complement: SPG11 is on the minus strand); the first of 2 consecutive G bases (chr15:44,583,886-44,583,887); deleting either gives the same sequence. VCF-style (leftmost placement, unchanged base first): chr15-44583885-TG-T. GRCh37 (hg19) VCF-style: chr15-44876083-TG-T.
Other names: c.5794del, p.His1932fs (NM_001160227.2); c.5650del, p.His1884fs (NM_001411132.1); short protein forms H1884fs, H1932fs.
Identifiers: ClinVar variation 2780293 (VCV002780293.4), dbSNP rs2505289556, ClinGen allele CA2695220677.